The following is an entry in ClinVar:

ClinVar aggregate classification (germline): Benign/Likely benign. Review status: criteria provided, multiple submitters, no conflicts (2 of 4 stars). 12 submissions from 12 submitters: Benign (8); Likely benign (1). 3 of the submissions do not count toward it. Last evaluated 2026-02-03.

Conditions:
Hereditary hemorrhagic telangiectasia (HHT). Also called: Osler hemorrhagic telangiectasia syndrome; ORW DISEASE; Osler Weber Rendu syndrome; OSLER-RENDU-WEBER DISEASE. Identifiers: Orphanet 774, MedGen C0039445, MONDO:0019180. Disease mechanism: loss of function.
Cardiovascular phenotype. Identifiers: MedGen CN230736.
Telangiectasia, hereditary hemorrhagic, type 1 (HHT1). Also called: Osler Weber Rendu syndrome type 1; ENG-Related Hereditary Hemorrhagic Telangiectasia. Identifiers: Orphanet 774, MedGen C4551861, MONDO:0008535, OMIM 187300. Disease mechanism: loss of function.

Allele frequency attached by ClinVar (database versions not stated): gnomAD exomes 0.01613 and 0.01288; ExAC 0.01794; 1000 Genomes Project 30x 0.02639; 1000 Genomes Project 0.02696; ESP Exome Variant Server 0.03990; gnomAD 0.03380 and 0.03618; TOPMed 0.03602.
gnomAD v4.1: 23,999 of 1,614,118 alleles (1.5%); highest among the groups gnomAD compares: African/African-American, 9.5%; 480 homozygotes.

Submissions (12):

Labcorp Genetics (formerly Invitae), Labcorp
Classification: Benign for Hereditary hemorrhagic telangiectasia. Last evaluated: 2026-02-03. Review status: criteria provided, single submitter. Criteria: Invitae Variant Classification Sherloc (09022015). Collection method: clinical testing. Allele origin: germline.

ARUP Laboratories, Molecular Genetics and Genomics, ARUP Laboratories
Classification: Benign for Telangiectasia, hereditary hemorrhagic, type 1. Last evaluated: 2025-06-23. Review status: criteria provided, single submitter. Criteria: ARUP Molecular Germline Variant Investigation Process 2024. Collection method: clinical testing. Allele origin: germline.

Blueprint Genetics
Classification: Benign. Last evaluated: 2024-11-27. Review status: criteria provided, single submitter. Criteria: ACMG Guidelines, 2015. Collection method: clinical testing. Allele origin: germline.

Mayo Clinic Laboratories, Mayo Clinic
Classification: Benign. Last evaluated: 2018-08-30. Review status: criteria provided, single submitter. Criteria: ACMG Guidelines, 2015. Collection method: clinical testing. Allele origin: germline. Observed: 35 variant alleles.

Ambry Genetics
Classification: Benign for Cardiovascular phenotype. Last evaluated: 2015-06-08. Review status: criteria provided, single submitter. Criteria: Ambry Variant Classification Scheme 2023. Collection method: clinical testing. Allele origin: germline.

GeneDx
Classification: Benign. Last evaluated: 2014-03-28. Review status: criteria provided, single submitter. Criteria: GeneDx Variant Classification (06012015). Collection method: clinical testing. Allele origin: germline. Affected: yes.
Comment: This variant is considered likely benign or benign based on one or more of the following criteria: it is a conservative change, it occurs at a poorly conserved position in the protein, it is predicted to be benign by multiple in silico algorithms, and/or has population frequency not consistent with disease.

Laboratory for Molecular Medicine, Mass General Brigham Personalized Medicine
Classification: Benign. Last evaluated: 2013-02-21. Review status: criteria provided, single submitter. Criteria: LMM Criteria. Collection method: clinical testing. Allele origin: germline. Observed: 1 variant allele.
Comment: Leu354Leu in exon 8 of ENG: This variant is not expected to have clinical signif icance because it does not alter an amino acid residue and is not located within the splice consensus sequence. It has been identified in 9.7% (427/4406) of Afr ican American chromosomes from a broad population by the NHLBI Exome Sequencing Project (dbSNP rs36092484).

Breakthrough Genomics
Classification: Likely benign. Review status: criteria provided, single submitter. Criteria: ACMG Guidelines, 2015. Collection method: not provided. Allele origin: germline. Inheritance: Autosomal dominant inheritance. Affected: yes.

PreventionGenetics, part of Exact Sciences
Classification: Benign. Review status: criteria provided, single submitter. Criteria: ACMG Guidelines, 2015. Collection method: clinical testing. Allele origin: germline.

Clinical Genetics, Academic Medical Center
Classification: Benign. Review status: no assertion criteria provided. Collection method: clinical testing. Allele origin: germline. Affected: yes. Study: VKGL Data-share Consensus. Not counted in ClinVar's aggregate classification.

Genome Diagnostics Laboratory, Amsterdam University Medical Center
Classification: Benign. Review status: no assertion criteria provided. Collection method: clinical testing. Allele origin: germline. Affected: yes. Study: VKGL Data-share Consensus. Not counted in ClinVar's aggregate classification.

Laboratory of Diagnostic Genome Analysis, Leiden University Medical Center (LUMC)
Classification: Benign. Review status: no assertion criteria provided. Collection method: clinical testing. Allele origin: germline. Affected: yes. Study: VKGL Data-share Consensus. Not counted in ClinVar's aggregate classification.

NM_001114753.3(ENG):c.1060C>T (p.Leu354=)

Gene: ENG (endoglin; minus strand). Cytogenetic location: 9q34.11.
Variant type: single nucleotide variant.
Coding change: c.1060C>T on transcript NM_001114753.3 (MANE Select); coding-DNA position 1060, C replaced by T.
Protein change: p.Leu354=; no amino-acid change (leucine 354 retained).
Molecular consequence: synonymous variant.
Genome position (GRCh38, 1-based): chr9:127,824,378, G>A on the plus strand (C>T on the coding strand, the complement: ENG is on the minus strand). VCF-style: chr9-127824378-G-A. GRCh37 (hg19) VCF-style: chr9-130586657-G-A.
Other names: p.L354L:CTG>TTG; p.Leu354=; c.1060C>T, p.Leu354= (NM_000118.4, NM_001406715.1); c.514C>T, p.Leu172= (NM_001278138.2).
Identifiers: ClinVar variation 137210 (VCV000137210.39), dbSNP rs36092484, ClinGen allele CA290735.